The following is an entry in ClinVar:

ClinVar aggregate classification (germline): Uncertain significance (1 of 4 stars; one submission).

Conditions:
KBG syndrome (KBGS). Also called: ANKRD11-Related KBG Syndrome. Identifiers: Orphanet 2332, MedGen C0220687, MONDO:0007846, OMIM 148050.

gnomAD v4.1: 6 of 1,614,056 alleles (0.00037%); highest among the groups gnomAD compares: African/African-American, 0.0067%; no homozygotes.

Submission:

Labcorp Genetics (formerly Invitae), Labcorp
Classification: Uncertain significance for KBG syndrome. Last evaluated: 2025-04-11. Review status: criteria provided, single submitter. Criteria: Invitae Variant Classification Sherloc (09022015). Collection method: clinical testing. Allele origin: germline.
Comment: This sequence change replaces asparagine, which is neutral and polar, with serine, which is neutral and polar, at codon 1431 of the ANKRD11 protein (p.Asn1431Ser). This variant is present in population databases (rs767867968, gnomAD 0.03%). This variant has not been reported in the literature in individuals affected with ANKRD11-related conditions. ClinVar contains an entry for this variant (Variation ID: 3709261). Invitae Evidence Modeling of protein sequence and biophysical properties (such as structural, functional, and spatial information, amino acid conservation, physicochemical variation, residue mobility, and thermodynamic stability) indicates that this missense variant is not expected to disrupt ANKRD11 protein function with a negative predictive value of 95%. In summary, the available evidence is currently insufficient to determine the role of this variant in disease. Therefore, it has been classified as a Variant of Uncertain Significance.

NM_013275.6(ANKRD11):c.4292A>G (p.Asn1431Ser)

Gene: ANKRD11 (ankyrin repeat domain 11; minus strand). Cytogenetic location: 16q24.3.
Variant type: single nucleotide variant.
Coding change: c.4292A>G on transcript NM_013275.6 (MANE Select); coding-DNA position 4292, A replaced by G.
Protein change: p.Asn1431Ser; replaces asparagine 1431 with serine.
Molecular consequence: missense variant.
Genome position (GRCh38, 1-based): chr16:89,282,250, T>C on the plus strand (A>G on the coding strand, the complement: ANKRD11 is on the minus strand). VCF-style: chr16-89282250-T-C. GRCh37 (hg19) VCF-style: chr16-89348658-T-C.
Other names: c.4292A>G, p.Asn1431Ser (NM_001256182.2, NM_001256183.2); short protein forms N1431S.
Identifiers: ClinVar variation 3709261 (VCV003709261.2).
Genomic context (GRCh38, chr16:89,282,250, plus strand): 5'-CTAGATCCATAAGGCTTTAGTTCCTTTTCTATTTTCTTGGAAGGTTCTCTCTCGGAATCA[T>C]TTTTATCTTTCTTTTCGGTAGAAAACAATTCAATGGTTTTATCTAGCTCATCTTCTATGT-3'
Protein context (NP_037407.4, residues 1421-1441): ELFSTEKKDK[Asn1431Ser]DSEREPSKKI